The following is an entry in ClinVar:

NM_015559.3(SETBP1):c.159_160delinsTT (p.Glu53_Arg54delinsAspCys)

Gene: SETBP1 (SET binding protein 1; plus strand). Cytogenetic location: 18q12.3.
Variant type: Indel.
Coding change: c.159_160delinsTT on transcript NM_015559.3 (MANE Select); coding-DNA positions 159 to 160, GC replaced by TT.
Protein change: p.Glu53_Arg54delinsAspCys.
Molecular consequence: missense variant.
Genome position (GRCh38, 1-based): chr18:44,701,505-44,701,506, GC replaced by TT. VCF-style: chr18-44701505-GC-TT. GRCh37 (hg19) VCF-style: chr18-42281470-GC-TT.
Other names: c.159_160delinsTT, p.Glu53_Arg54delinsAspCys (NM_001130110.2, NM_001379141.1, NM_001379142.1); c.159_160delGCinsTT, p.Glu53_Arg54delinsAspCys (NM_001410862.1).
Identifiers: ClinVar variation 2010139 (VCV002010139.4), dbSNP rs2511332446, ClinGen allele CA2580095692.

ClinVar aggregate classification (germline): Uncertain significance (1 of 4 stars; one submission).

Submission:

Labcorp Genetics (formerly Invitae), Labcorp
Classification: Uncertain significance. Last evaluated: 2022-08-31. Review status: criteria provided, single submitter. Criteria: Invitae Variant Classification Sherloc (09022015). Collection method: clinical testing. Allele origin: germline.
Comment: This variant has not been reported in the literature in individuals affected with SETBP1-related conditions. Information on the frequency of this variant in the gnomAD database is not available, as this variant may be reported differently in the database. This variant, c.159_160delinsTT, is a complex sequence change that results in the deletion of 2 and insertion of 2 amino acid(s) in the SETBP1 protein (p.Glu53_Arg54delinsAspCys). Experimental studies and prediction algorithms are not available or were not evaluated, and the functional significance of this variant is currently unknown. In summary, the available evidence is currently insufficient to determine the role of this variant in disease. Therefore, it has been classified as a Variant of Uncertain Significance.